The following is an entry in ClinVar:

ClinVar aggregate classification (germline): Uncertain significance (1 of 4 stars; one submission).

Conditions:
Hereditary cancer-predisposing syndrome. Also called: Neoplastic Syndromes, Hereditary; Tumor predisposition; Hereditary neoplastic syndrome; Hereditary Cancer Syndrome. Identifiers: Orphanet 140162, MedGen C0027672, MeSH D009386, MONDO:0015356.

Allele frequency attached by ClinVar (database versions not stated): TOPMed below 0.00001.

Submission:

Ambry Genetics
Classification: Uncertain significance for Hereditary cancer-predisposing syndrome. Last evaluated: 2024-01-14. Review status: criteria provided, single submitter. Criteria: Ambry Variant Classification Scheme 2023. Collection method: clinical testing. Allele origin: germline.
Comment: The p.D244V variant (also known as c.731A>T), located in coding exon 4 of the PDGFRA gene, results from an A to T substitution at nucleotide position 731. The aspartic acid at codon 244 is replaced by valine, an amino acid with highly dissimilar properties. This amino acid position is conserved. In addition, the in silico prediction for this alteration is inconclusive. Since supporting evidence is limited at this time, the clinical significance of this alteration remains unclear.

NM_006206.6(PDGFRA):c.731A>T (p.Asp244Val)

Gene: PDGFRA (platelet derived growth factor receptor alpha; plus strand). Cytogenetic location: 4q12.
Variant type: single nucleotide variant.
Coding change: c.731A>T on transcript NM_006206.6 (MANE Select); coding-DNA position 731, A replaced by T.
Protein change: p.Asp244Val; replaces aspartic acid 244 with valine.
Molecular consequence: missense variant.
Genome position (GRCh38, 1-based): chr4:54,265,021, A>T. VCF-style: chr4-54265021-A-T. GRCh37 (hg19) VCF-style: chr4-55131188-A-T.
Other names: c.731A>T, p.Asp244Val (NM_001347827.2, NM_001347829.2); c.806A>T, p.Asp269Val (NM_001347828.2); c.770A>T, p.Asp257Val (NM_001347830.2); short protein forms D244V, D257V, D269V.
Identifiers: ClinVar variation 3225316 (VCV003225316.1), dbSNP rs1722958553, ClinGen allele CA356890972.